The following is an entry in ClinVar:

NM_032217.5(ANKRD17):c.1265A>T (p.Glu422Val)

Gene: ANKRD17 (ankyrin repeat domain 17; minus strand). Cytogenetic location: 4q13.3.
Variant type: single nucleotide variant.
Coding change: c.1265A>T on transcript NM_032217.5 (MANE Select); coding-DNA position 1265, A replaced by T.
Protein change: p.Glu422Val; replaces glutamic acid 422 with valine.
Molecular consequence: missense variant.
Genome position (GRCh38, 1-based): chr4:73,151,494, T>A on the plus strand (A>T on the coding strand, the complement: ANKRD17 is on the minus strand). VCF-style: chr4-73151494-T-A. GRCh37 (hg19) VCF-style: chr4-74017211-T-A.
Other names: c.926A>T, p.Glu309Val (NM_001286771.3); c.1265A>T, p.Glu422Val (NM_015574.2, NM_198889.3); short protein forms E309V, E422V.
Identifiers: ClinVar variation 1331156 (VCV001331156.2), dbSNP rs1014882894, ClinGen allele CA99683711.
Genomic context (GRCh38, chr4:73,151,494, plus strand): 5'-CAAGCCTCCATCAGAGCAGTGTGCATTTCATCTGTTTTATGCTCTTGATCCGCGCCTGCT[T>A]CCAAAAGAAATCGCACCATCTCTAAGTGTCCTAAACCAAAAGTGTACAAGATTACTTGAA-3'
Protein context (NP_115593.3, residues 412-432): GHLEMVRFLL[Glu422Val]AGADQEHKTD

ClinVar aggregate classification (germline): Uncertain significance (1 of 4 stars; one submission).

Allele frequency attached by ClinVar (database versions not stated): gnomAD exomes 0.00001.
gnomAD v4.1: 7 of 1,609,564 alleles (0.00043%); highest among the groups gnomAD compares: Non-Finnish European, 0.00059%; no homozygotes.

Submission:

GeneDx
Classification: Uncertain significance. Last evaluated: 2021-06-29. Review status: criteria provided, single submitter. Criteria: GeneDx Variant Classification Process June 2021. Collection method: clinical testing. Allele origin: germline. Affected: yes.
Comment: Not observed at significant frequency in large population cohorts (Lek et al., 2016); In silico analysis supports that this missense variant has a deleterious effect on protein structure/function; Has not been previously published as pathogenic or benign to our knowledge; This variant is associated with the following publications: (PMID: 27535533)